The following is an entry in ClinVar:

NM_002532.6(NUP88):c.1044+8C>A

Gene: NUP88 (nucleoporin 88; minus strand). Cytogenetic location: 17p13.2.
Variant type: single nucleotide variant.
Coding change: c.1044+8C>A on transcript NM_002532.6 (MANE Select); 8 bases into the intron after coding-DNA position 1044, C replaced by A.
Molecular consequence: intron variant.
Genome position (GRCh38, 1-based): chr17:5,405,049, G>T on the plus strand (C>A on the coding strand, the complement: NUP88 is on the minus strand). VCF-style: chr17-5405049-G-T. GRCh37 (hg19) VCF-style: chr17-5308369-G-T.
Other names: NC_000017.10:g.5308369G>T; c.1044+8C>A (NM_001320653.2).
Identifiers: ClinVar variation 3041777 (VCV003041777.3), dbSNP rs116488594, ClinGen allele CA8324411.

ClinVar aggregate classification (germline): Benign (0 of 4 stars; one submission).

Conditions:
NUP88-related disorder. Also called: NUP88-related condition.

Allele frequency attached by ClinVar (database versions not stated): gnomAD exomes 0.00180; ExAC 0.00587; gnomAD 0.01740; 1000 Genomes Project 30x 0.01796; 1000 Genomes Project 0.01837; TOPMed 0.01912; ESP Exome Variant Server 0.02061.
gnomAD v4.1: 5,434 of 1,612,338 alleles (0.34%); highest among the groups gnomAD compares: African/African-American, 6.1%; 145 homozygotes.

Submissions (10):

PreventionGenetics, part of Exact Sciences
Classification: Benign for NUP88-related condition. Last evaluated: 2019-06-03. Review status: no assertion criteria provided. Collection method: clinical testing. Allele origin: germline.
Comment: This variant is classified as benign based on ACMG/AMP sequence variant interpretation guidelines (Richards et al. 2015 PMID: 25741868, with internal and published modifications).

Dr. Peter K. Rogan Lab, Western University
No classification provided (evidence only). Condition: Lung cancer. Review status: no classification provided. Collection method: in vitro. Allele origin: not applicable. Functional consequence: retained intron. Not counted in ClinVar's aggregate classification.

Dr. Peter K. Rogan Lab, Western University
No classification provided (evidence only). Condition: Acute myeloid leukemia. Review status: no classification provided. Collection method: in vitro. Allele origin: not applicable. Functional consequence: retained intron. Not counted in ClinVar's aggregate classification.

Dr. Peter K. Rogan Lab, Western University
No classification provided (evidence only). Condition: Acute myeloid leukemia. Review status: no classification provided. Collection method: in vitro. Allele origin: not applicable. Functional consequence: retained intron. Not counted in ClinVar's aggregate classification.

Dr. Peter K. Rogan Lab, Western University
No classification provided (evidence only). Condition: Uterine corpus endometrial carcinoma. Review status: no classification provided. Collection method: in vitro. Allele origin: not applicable. Functional consequence: retained intron. Not counted in ClinVar's aggregate classification.

Dr. Peter K. Rogan Lab, Western University
No classification provided (evidence only). Condition: Cervical cancer. Review status: no classification provided. Collection method: in vitro. Allele origin: not applicable. Functional consequence: retained intron. Not counted in ClinVar's aggregate classification.

Dr. Peter K. Rogan Lab, Western University
No classification provided (evidence only). Condition: Cervical cancer. Review status: no classification provided. Collection method: in vitro. Allele origin: not applicable. Functional consequence: retained intron. Not counted in ClinVar's aggregate classification.

Dr. Peter K. Rogan Lab, Western University
No classification provided (evidence only). Condition: Cervical cancer. Review status: no classification provided. Collection method: in vitro. Allele origin: not applicable. Functional consequence: retained intron. Not counted in ClinVar's aggregate classification.

Dr. Peter K. Rogan Lab, Western University
No classification provided (evidence only). Condition: Ovarian serous cystadenocarcinoma. Review status: no classification provided. Collection method: in vitro. Allele origin: not applicable. Functional consequence: retained intron. Not counted in ClinVar's aggregate classification.

Dr. Peter K. Rogan Lab, Western University
No classification provided (evidence only). Condition: Ovarian serous cystadenocarcinoma. Review status: no classification provided. Collection method: in vitro. Allele origin: not applicable. Functional consequence: retained intron. Not counted in ClinVar's aggregate classification.